The following is an entry in ClinVar:

ClinVar aggregate classification (germline): Likely pathogenic (1 of 4 stars; one submission).

Conditions:
Ectodermal dysplasia 10A, hypohidrotic/hair/nail type, autosomal dominant (ECTD10A). Also called: Ectodermal Dysplasia 3, Anhidrotic. Identifiers: Orphanet 1810, Orphanet 238468, MedGen C3888065, MONDO:0007509, OMIM 129490.
Autosomal recessive hypohidrotic ectodermal dysplasia syndrome. Also called: Autosomal recessive hypohidrotic ectodermal dysplasia. Identifiers: Orphanet 248, MedGen C0406702, MONDO:0016619.

Submission:

Labcorp Genetics (formerly Invitae), Labcorp
Classification: Likely pathogenic for Ectodermal dysplasia 10A, hypohidrotic/hair/nail type, autosomal dominant; Autosomal recessive hypohidrotic ectodermal dysplasia syndrome. Last evaluated: 2025-04-27. Review status: criteria provided, single submitter. Criteria: Invitae Variant Classification Sherloc (09022015). Collection method: clinical testing. Allele origin: germline.
Comment: This sequence change creates a premature translational stop signal (p.Trp434*) in the EDAR gene. While this is not anticipated to result in nonsense mediated decay, it is expected to disrupt the last 15 amino acid(s) of the EDAR protein. This variant is not present in population databases (gnomAD no frequency). This premature translational stop signal has been observed in individual(s) with ectodermal dysplasia and/or oligodontia (PMID: 32325225; internal data). It has also been observed to segregate with disease in related individuals. In summary, the currently available evidence indicates that the variant is pathogenic, but additional data are needed to prove that conclusively. Therefore, this variant has been classified as Likely Pathogenic.

Literature cited by the submitters: PubMed 32325225.

NM_022336.4(EDAR):c.1301G>A (p.Trp434Ter)

Genes: EDAR (ectodysplasin A receptor; minus strand), RANBP2 (RAN binding protein 2; plus strand). Cytogenetic location: 2q13.
Variant type: single nucleotide variant.
Coding change: c.1301G>A on transcript NM_022336.4 (MANE Select); coding-DNA position 1301, G replaced by A.
Protein change: p.Trp434Ter; replaces tryptophan 434 with a stop codon.
Molecular consequence: nonsense.
Genome position (GRCh38, 1-based): chr2:108,896,953, C>T on the plus strand (G>A on the coding strand, the complement: EDAR is on the minus strand). VCF-style: chr2-108896953-C-T. GRCh37 (hg19) VCF-style: chr2-109513409-C-T.
Other names: short protein forms W434*.
Identifiers: ClinVar variation 4784854 (VCV004784854.1).